The following is an entry in ClinVar:

NM_172107.4(KCNQ2):c.1099G>A (p.Val367Ile)

Gene: KCNQ2 (potassium voltage-gated channel subfamily Q member 2; minus strand). Cytogenetic location: 20q13.33.
Variant type: single nucleotide variant.
Coding change: c.1099G>A on transcript NM_172107.4 (MANE Select); coding-DNA position 1099, G replaced by A.
Protein change: p.Val367Ile; replaces valine 367 with isoleucine.
Molecular consequence: missense variant.
Genome position (GRCh38, 1-based): chr20:63,433,828, C>T on the plus strand (G>A on the coding strand, the complement: KCNQ2 is on the minus strand). VCF-style: chr20-63433828-C-T. GRCh37 (hg19) VCF-style: chr20-62065181-C-T.
Other names: c.1099G>A, p.Val367Ile (NM_001382235.1, NM_004518.6, NM_172106.3 and 2 more transcripts); short protein forms V367I.
Identifiers: ClinVar variation 1202324 (VCV001202324.8), dbSNP rs149523683, ClinGen allele CA317452126.
Genomic context (GRCh38, chr20:63,433,828, plus strand): 5'-AATGAAACAGTTGCTTGGTGGCAGGTGCCCGGCGGCGGTACCTGTACATGGGCACGGTGA[C>T]CGTTCGCTCGTAGTACTGCCACGTGGAGTGCAGGTCTGTGCGCGAGAGGTTGGTGGCGTA-3'
Protein context (NP_742105.1, residues 357-377): HSTWQYYERT[Val367Ile]TVPMYSSQTQ

ClinVar aggregate classification (germline): Uncertain significance. Review status: criteria provided, multiple submitters, no conflicts (2 of 4 stars). 2 submissions from 2 submitters: Uncertain significance (2). Last evaluated 2025-04-27.

Conditions:
Early-infantile DEE. Also called: Ohtahara syndrome; Early infantile epileptic encephalopathy with suppression bursts; Early infantile epileptic encephalopathy. Identifiers: Orphanet 1934, MedGen C0393706, MONDO:0800491.

Allele frequency attached by ClinVar (database versions not stated): gnomAD 0.00001; TOPMed 0.00001; ESP Exome Variant Server 0.00008.
gnomAD v4.1: 2 of 1,613,852 alleles (0.00012%); highest among the groups gnomAD compares: African/African-American, 0.0027%; no homozygotes.

Submissions (2):

Labcorp Genetics (formerly Invitae), Labcorp
Classification: Uncertain significance for Early-infantile DEE. Last evaluated: 2025-04-27. Review status: criteria provided, single submitter. Criteria: Invitae Variant Classification Sherloc (09022015). Collection method: clinical testing. Allele origin: germline.
Comment: This sequence change replaces valine, which is neutral and non-polar, with isoleucine, which is neutral and non-polar, at codon 367 of the KCNQ2 protein (p.Val367Ile). This variant is present in population databases (rs149523683, gnomAD 0.02%). This variant has not been reported in the literature in individuals affected with KCNQ2-related conditions. ClinVar contains an entry for this variant (Variation ID: 1202324). Invitae Evidence Modeling of protein sequence and biophysical properties (such as structural, functional, and spatial information, amino acid conservation, physicochemical variation, residue mobility, and thermodynamic stability) indicates that this missense variant is expected to disrupt KCNQ2 protein function with a positive predictive value of 95%. In summary, the available evidence is currently insufficient to determine the role of this variant in disease. Therefore, it has been classified as a Variant of Uncertain Significance.

GeneDx
Classification: Uncertain significance. Last evaluated: 2020-04-15. Review status: criteria provided, single submitter. Criteria: GeneDx Variant Classification Process June 2021. Collection method: clinical testing. Allele origin: germline. Affected: yes.
Comment: Missense variants in this gene are often considered pathogenic (Stenson et al., 2014); In silico analysis supports that this missense variant does not alter protein structure/function; Has not been previously published as pathogenic or benign to our knowledge